The following is an entry in ClinVar:

ClinVar aggregate classification (germline): Pathogenic (1 of 4 stars; one submission).

Conditions:
Baller-Gerold syndrome (BGS). Also called: CRANIOSYNOSTOSIS WITH RADIAL DEFECTS. Identifiers: Orphanet 1225, MedGen C0265308, MONDO:0009039, OMIM 218600.

Submission:

Labcorp Genetics (formerly Invitae), Labcorp
Classification: Pathogenic for Baller-Gerold syndrome. Last evaluated: 2023-02-01. Review status: criteria provided, single submitter. Criteria: Invitae Variant Classification Sherloc (09022015). Collection method: clinical testing. Allele origin: germline.
Comment: For these reasons, this variant has been classified as Pathogenic. This variant has not been reported in the literature in individuals affected with RECQL4-related conditions. This variant is not present in population databases (gnomAD no frequency). This sequence change creates a premature translational stop signal (p.Pro793Glnfs*50) in the RECQL4 gene. It is expected to result in an absent or disrupted protein product. Loss-of-function variants in RECQL4 are known to be pathogenic (PMID: 12734318, 12952869).

Literature cited by the submitters: PubMed 12734318; PubMed 12952869.

NM_004260.4(RECQL4):c.2378del (p.Pro793fs)

Gene: RECQL4 (RecQ like helicase 4; minus strand). Cytogenetic location: 8q24.3.
Variant type: Deletion.
Coding change: c.2378del on transcript NM_004260.4 (MANE Select); coding-DNA position 2378, one base deleted (C; older notation c.2378delC).
Protein change: p.Pro793fs; shifts the reading frame from proline 793.
Molecular consequence: frameshift variant. On other transcripts: non-coding transcript variant (3), intron variant (3).
Genome position (GRCh38, 1-based): chr8:144,513,303, G deleted on the plus strand (C on the coding strand, the reverse complement: RECQL4 is on the minus strand); the first of 5 consecutive G bases (chr8:144,513,303-144,513,307); deleting any one gives the same sequence. VCF-style (leftmost placement, unchanged base first): chr8-144513302-TG-T. GRCh37 (hg19) VCF-style: chr8-145738685-TG-T.
Other names: c.2378del, p.Pro793fs (NM_001413019.1, NM_001413036.1); c.2282del, p.Pro761fs (NM_001413020.1); c.1307del, p.Pro436fs (NM_001413021.1, NM_001413022.1, NM_001413023.1 and 5 more transcripts); c.2249del, p.Pro750fs (NM_001413025.1); c.1241del, p.Pro414fs (NM_001413027.1, NM_001413030.1, NM_001413032.1 and 1 more transcripts); c.2027del, p.Pro676fs (NM_001413029.1); c.1109del, p.Pro370fs (NM_001413031.1); c.2246del, p.Pro749fs (NM_001413033.1); and 7 more; short protein forms P392fs, P414fs, P676fs, P749fs, P750fs, P761fs, P304fs, P370fs.
Identifiers: ClinVar variation 2800129 (VCV002800129.3), dbSNP rs2130677693, ClinGen allele CA2689125922.